The following is an entry in ClinVar:

ClinVar aggregate classification (germline): Uncertain significance (1 of 4 stars; one submission).

Conditions:
Inborn genetic diseases. Identifiers: MedGen C0950123, MeSH D030342.

Submission:

Ambry Genetics
Classification: Uncertain significance for Inborn genetic diseases. Last evaluated: 2025-01-15. Review status: criteria provided, single submitter. Criteria: Ambry Variant Classification Scheme 2023. Collection method: clinical testing. Allele origin: germline.
Comment: The p.P650A variant (also known as c.1948C>G), located in coding exon 17 of the KDM1A gene, results from a C to G substitution at nucleotide position 1948. The proline at codon 650 is replaced by alanine, an amino acid with highly similar properties. This amino acid position is conserved. In addition, this alteration is predicted to be deleterious by in silico analysis. Based on the available evidence, the clinical significance of this variant remains unclear.

NM_001009999.3(KDM1A):c.1948C>G (p.Pro650Ala)

Gene: KDM1A (lysine demethylase 1A; plus strand). Cytogenetic location: 1p36.12.
Variant type: single nucleotide variant.
Coding change: c.1948C>G on transcript NM_001009999.3 (MANE Select); coding-DNA position 1948, C replaced by G.
Protein change: p.Pro650Ala; replaces proline 650 with alanine.
Molecular consequence: missense variant.
Genome position (GRCh38, 1-based): chr1:23,079,070, C>G. VCF-style: chr1-23079070-C-G. GRCh37 (hg19) VCF-style: chr1-23405563-C-G.
Other names: c.1894C>G, p.Pro632Ala (NM_001363654.2); c.1954C>G, p.Pro652Ala (NM_001410762.1); c.1876C>G, p.Pro626Ala (NM_001410763.1, NM_015013.4); short protein forms P626A, P632A, P650A, P652A.
Identifiers: ClinVar variation 3863271 (VCV003863271.1).